The following is an entry in ClinVar:

NM_000135.4(FANCA):c.2799A>G (p.Leu933=)

Gene: FANCA (FA complementation group A; minus strand). Cytogenetic location: 16q24.3.
Variant type: single nucleotide variant.
Coding change: c.2799A>G on transcript NM_000135.4 (MANE Select); coding-DNA position 2799, A replaced by G.
Protein change: p.Leu933=; no amino-acid change (leucine 933 retained).
Molecular consequence: synonymous variant.
Genome position (GRCh38, 1-based): chr16:89,762,002, T>C on the plus strand (A>G on the coding strand, the complement: FANCA is on the minus strand). VCF-style: chr16-89762002-T-C. GRCh37 (hg19) VCF-style: chr16-89828410-T-C.
Other names: c.2799A>G (LRG_495t1); c.2799A>G, p.Leu933= (NM_001286167.3).
Identifiers: ClinVar variation 237043 (VCV000237043.35), dbSNP rs148250597, ClinGen allele CA8251499.
Genomic context (GRCh38, chr16:89,762,002, plus strand): 5'-CACTTACCGTTCAGTATCTGAAAGAGCATCAGCTTCAGGTTGAATTTCCAGCTCCAGGTG[T>C]AACCAGTCTTGGTAAGTTAACTGAGAAAGAGAGCAAGCAATTCAATACAATGAGGACAGA-3'
Protein context (NP_000126.2, residues 923-943): EDVHLTYQDW[Leu933=]HLELEIQPEA

ClinVar aggregate classification (germline): Conflicting classifications of pathogenicity. Review status: criteria provided, conflicting classifications (1 of 4 stars). 8 submissions from 8 submitters: Uncertain significance (1); Likely benign (7). Last evaluated 2026-03-01.

Conditions:
Fanconi anemia (FA). Also called: Fanconi's anemia. Identifiers: Orphanet 84, MedGen C0015625, MeSH D005199, MONDO:0019391.
Inborn genetic diseases. Identifiers: MedGen C0950123, MeSH D030342.
Fanconi anemia complementation group A (FANCA). Also called: FANCA-Related Fanconi Anemia; Fanconi anemia, group A. Identifiers: Orphanet 84, MedGen C3469521, MONDO:0009215, OMIM 227650.

Allele frequency attached by ClinVar (database versions not stated): 1000 Genomes Project 30x 0.00016; 1000 Genomes Project 0.00020; gnomAD 0.00025 and 0.00026; ExAC 0.00026; gnomAD exomes 0.00029 and 0.00055; TOPMed 0.00031; ESP Exome Variant Server 0.00069.
gnomAD v4.1: 819 of 1,613,940 alleles (0.051%); highest among the groups gnomAD compares: Non-Finnish European, 0.067%; 2 homozygotes.

Submissions (8):

CeGaT Center for Human Genetics Tuebingen
Classification: Likely benign. Last evaluated: 2026-03-01. Review status: criteria provided, single submitter. Criteria: CeGaT Center For Human Genetics Tuebingen Variant Classification Criteria Version 2. Collection method: clinical testing. Allele origin: germline. Affected: yes. Observed: 3 variant alleles.
Comment: FANCA: BP4, BP7

Labcorp Genetics (formerly Invitae), Labcorp
Classification: Likely benign for Fanconi anemia. Last evaluated: 2026-01-13. Review status: criteria provided, single submitter. Criteria: Invitae Variant Classification Sherloc (09022015). Collection method: clinical testing. Allele origin: germline.

Quest Diagnostics Nichols Institute San Juan Capistrano
Classification: Likely benign. Last evaluated: 2025-06-30. Review status: criteria provided, single submitter. Criteria: Quest Diagnostics criteria. Collection method: clinical testing. Allele origin: unknown.

Ambry Genetics
Classification: Likely benign for Inborn genetic diseases. Last evaluated: 2024-11-17. Review status: criteria provided, single submitter. Criteria: Ambry Variant Classification Scheme 2023. Collection method: clinical testing. Allele origin: germline.

Blueprint Genetics
Classification: Likely benign. Last evaluated: 2024-09-19. Review status: criteria provided, single submitter. Criteria: ACMG Guidelines, 2015. Collection method: clinical testing. Allele origin: germline.

Sema4
Classification: Likely benign for Fanconi anemia. Last evaluated: 2021-12-16. Review status: criteria provided, single submitter. Criteria: Sema4 Curation Guidelines. Collection method: curation. Allele origin: germline.

Genetic Services Laboratory, University of Chicago
Classification: Likely benign. Last evaluated: 2020-09-10. Review status: criteria provided, single submitter. Criteria: ACMG Guidelines, 2015. Collection method: clinical testing. Allele origin: germline. Affected: no.

Illumina Laboratory Services, Illumina
Classification: Uncertain significance for Fanconi anemia complementation group A. Last evaluated: 2018-01-12. Review status: criteria provided, single submitter. Criteria: ICSL Variant Classification Criteria 13 December 2019. Collection method: clinical testing. Allele origin: germline.